The following is an entry in ClinVar:

ClinVar aggregate classification (germline): Benign. Review status: criteria provided, multiple submitters, no conflicts (2 of 4 stars). 3 submissions from 3 submitters: Benign (2). 1 of the submissions does not count toward it. Last evaluated 2026-02-04.

Conditions:
Pyle metaphyseal dysplasia (PYL). Also called: Metaphyseal dysostosis; Pyle disease. Identifiers: Orphanet 3005, MedGen C0265294, MONDO:0009943, OMIM 265900.
SFRP4-related disorder. Also called: SFRP4-related condition.

Allele frequency attached by ClinVar (database versions not stated): ExAC 0.46157; gnomAD exomes 0.42769 and 0.46032; 1000 Genomes Project 0.54393; gnomAD 0.43818 and 0.44583; 1000 Genomes Project 30x 0.54091; ESP Exome Variant Server 0.41712; TOPMed 0.44219.

Submissions (3):

Labcorp Genetics (formerly Invitae), Labcorp
Classification: Benign. Last evaluated: 2026-02-04. Review status: criteria provided, single submitter. Criteria: Invitae Variant Classification Sherloc (09022015). Collection method: clinical testing. Allele origin: germline.

Genome-Nilou Lab
Classification: Benign for Pyle metaphyseal dysplasia. Last evaluated: 2021-07-15. Review status: criteria provided, single submitter. Criteria: ACMG Guidelines, 2015. Collection method: clinical testing. Allele origin: germline. Affected: no.

PreventionGenetics, part of Exact Sciences
Classification: Benign for SFRP4-related condition. Last evaluated: 2019-10-17. Review status: no assertion criteria provided. Collection method: clinical testing. Allele origin: germline. Not counted in ClinVar's aggregate classification.
Comment: This variant is classified as benign based on ACMG/AMP sequence variant interpretation guidelines (Richards et al. 2015 PMID: 25741868, with internal and published modifications).

NM_003014.4(SFRP4):c.567G>A (p.Thr189=)

Gene: SFRP4 (secreted frizzled related protein 4; minus strand). Cytogenetic location: 7p14.1.
Variant type: single nucleotide variant.
Coding change: c.567G>A on transcript NM_003014.4 (MANE Select); coding-DNA position 567, G replaced by A.
Protein change: p.Thr189=; no amino-acid change (threonine 189 retained).
Molecular consequence: synonymous variant.
Genome position (GRCh38, 1-based): chr7:37,914,238, C>T on the plus strand (G>A on the coding strand, the complement: SFRP4 is on the minus strand). VCF-style: chr7-37914238-C-T. GRCh37 (hg19) VCF-style: chr7-37953840-C-T.
Other names: c.567G>A (NM_003014.3).
Identifiers: ClinVar variation 1332948 (VCV001332948.12), dbSNP rs1132552, ClinGen allele CA4222797.